The following is an entry in ClinVar:

ClinVar aggregate classification (germline): Uncertain significance (1 of 4 stars; one submission).

Submission:

GeneDx
Classification: Uncertain significance. Last evaluated: 2024-04-24. Review status: criteria provided, single submitter. Criteria: GeneDx Variant Classification Process June 2021. Collection method: clinical testing. Allele origin: germline. Affected: yes.
Comment: Not observed at significant frequency in large population cohorts (gnomAD); In silico analysis supports that this missense variant has a deleterious effect on protein structure/function; Has not been previously published as pathogenic or benign to our knowledge

NM_182641.4(BPTF):c.6598G>A (p.Ala2200Thr)

Gene: BPTF (bromodomain PHD finger transcription factor; plus strand). Cytogenetic location: 17q24.2.
Variant type: single nucleotide variant.
Coding change: c.6598G>A on transcript NM_182641.4 (MANE Select); coding-DNA position 6598, G replaced by A.
Protein change: p.Ala2200Thr; replaces alanine 2200 with threonine.
Molecular consequence: missense variant.
Genome position (GRCh38, 1-based): chr17:67,944,270, G>A. VCF-style: chr17-67944270-G-A. GRCh37 (hg19) VCF-style: chr17-65940386-G-A.
Other names: c.6976G>A, p.Ala2326Thr (NM_004459.7); short protein forms A2200T, A2326T.
Identifiers: ClinVar variation 3373050 (VCV003373050.1).